The following is an entry in ClinVar:

ClinVar aggregate classification (germline): Pathogenic/Likely pathogenic. Review status: criteria provided, multiple submitters, no conflicts (2 of 4 stars). 2 submissions from 2 submitters: Pathogenic (1); Likely pathogenic (1). Last evaluated 2024-02-22.

Conditions:
Pulmonary hypertension, neonatal, susceptibility to (PHN). Identifiers: MedGen C3714958, MONDO:0014151, OMIM 615371.
Congenital hyperammonemia, type I. Also called: Carbamoyl phosphate synthetase 1 deficiency; Hyperammonemia due to carbamoyl phosphate synthetase 1 deficiency; CPS 1 deficiency; Carbamyl phosphate synthetase (CPS) deficiency; CPS I DEFICIENCY; Carbamoyl-phosphate synthase I deficiency. Identifiers: Orphanet 147, MedGen C4082171, MONDO:0009376, OMIM 237300.

Submissions (2):

Labcorp Genetics (formerly Invitae), Labcorp
Classification: Pathogenic for Congenital hyperammonemia, type I. Last evaluated: 2024-02-22. Review status: criteria provided, single submitter. Criteria: Invitae Variant Classification Sherloc (09022015). Collection method: clinical testing. Allele origin: germline.
Comment: This sequence change creates a premature translational stop signal (p.Phe371Serfs*15) in the CPS1 gene. It is expected to result in an absent or disrupted protein product. Loss-of-function variants in CPS1 are known to be pathogenic (PMID: 21120950). This variant is not present in population databases (gnomAD no frequency). This variant has not been reported in the literature in individuals affected with CPS1-related conditions. ClinVar contains an entry for this variant (Variation ID: 854122). For these reasons, this variant has been classified as Pathogenic.

Baylor Genetics
Classification: Likely pathogenic for Pulmonary hypertension, neonatal, susceptibility to. Last evaluated: 2023-11-11. Review status: criteria provided, single submitter. Criteria: ACMG Guidelines, 2015. Collection method: clinical testing. Allele origin: unknown.

Literature cited by the submitters: PubMed 21120950 (cited by Labcorp Genetics (formerly Invitae), Labcorp).

NM_001875.5(CPS1):c.1110del (p.Phe371fs)

Gene: CPS1 (carbamoyl-phosphate synthase 1; plus strand). Cytogenetic location: 2q34.
Variant type: Deletion.
Coding change: c.1110del on transcript NM_001875.5 (MANE Select); coding-DNA position 1110, one base deleted (C; older notation c.1110delC).
Protein change: p.Phe371fs; shifts the reading frame from phenylalanine 371.
Molecular consequence: frameshift variant. On other transcripts: non-coding transcript variant (1).
Genome position (GRCh38, 1-based): chr2:210,592,902, C deleted; the last of 3 consecutive C bases (chr2:210,592,900-210,592,902); deleting any one gives the same sequence. VCF-style (leftmost placement, unchanged base first): chr2-210592899-AC-A. GRCh37 (hg19) VCF-style: chr2-211457623-AC-A.
Other names: c.1110del, p.Phe371fs (NM_001122633.3, NM_001369257.1); c.1143del, p.Phe382fs (NM_001369256.1); short protein forms F382fs, F371fs.
Identifiers: ClinVar variation 854122 (VCV000854122.11), dbSNP rs1698355880, ClinGen allele CA916081387.